The following is an entry in ClinVar:

ClinVar aggregate classification (germline): Uncertain significance (1 of 4 stars; one submission).

Conditions:
Autosomal dominant nonsyndromic hearing loss 65. Also called: Deafness, autosomal dominant 65; TBC1D24-Related Autosomal Dominant Nonsyndromic Hearing Loss (DFNA). Identifiers: Orphanet 90635, MedGen C3892048, MONDO:0014470, OMIM 616044.
Developmental and epileptic encephalopathy, 1 (DEE1). Also called: INFANTILE SPASM SYNDROME, X-LINKED 1; X-linked infantile spasms; West's syndrome; Tonic spasms with clustering, arrest of psychomotor development and hypsarrhythmia on EEG; X-Linked Infantile Spasm Syndrome; OHTAHARA SYNDROME, X-LINKED. Identifiers: MedGen C3463992, MONDO:0010632, OMIM 308350. Disease mechanism: loss of function.

Submission:

Labcorp Genetics (formerly Invitae), Labcorp
Classification: Uncertain significance for Developmental and epileptic encephalopathy, 1; Autosomal dominant nonsyndromic hearing loss 65. Last evaluated: 2025-11-20. Review status: criteria provided, single submitter. Criteria: Invitae Variant Classification Sherloc (09022015). Collection method: clinical testing. Allele origin: germline.
Comment: This sequence change replaces valine, which is neutral and non-polar, with methionine, which is neutral and non-polar, at codon 239 of the TBC1D24 protein (p.Val239Met). This variant is not present in population databases (gnomAD no frequency). This variant has not been reported in the literature in individuals affected with TBC1D24-related conditions. Invitae Evidence Modeling of protein sequence and biophysical properties (such as structural, functional, and spatial information, amino acid conservation, physicochemical variation, residue mobility, and thermodynamic stability) has been performed for this missense variant. However, the output from this modeling did not meet the statistical confidence thresholds required to predict the impact of this variant on TBC1D24 protein function. In summary, the available evidence is currently insufficient to determine the role of this variant in disease. Therefore, it has been classified as a Variant of Uncertain Significance.

NM_001199107.2(TBC1D24):c.715G>A (p.Val239Met)

Gene: TBC1D24 (TBC1 domain family member 24; plus strand). Cytogenetic location: 16p13.3.
Variant type: single nucleotide variant.
Coding change: c.715G>A on transcript NM_001199107.2 (MANE Select); coding-DNA position 715, G replaced by A.
Protein change: p.Val239Met; replaces valine 239 with methionine.
Molecular consequence: missense variant.
Genome position (GRCh38, 1-based): chr16:2,496,863, G>A. VCF-style: chr16-2496863-G-A. GRCh37 (hg19) VCF-style: chr16-2546864-G-A.
Other names: c.715G>A, p.Val239Met (NM_020705.3); short protein forms V239M.
Identifiers: ClinVar variation 4812330 (VCV004812330.1).